The following is an entry in ClinVar:

NM_001287.6(CLCN7):c.1354-7C>T

Gene: CLCN7 (Cl-/H+ antiporter 7; minus strand). Cytogenetic location: 16p13.3.
Variant type: single nucleotide variant.
Coding change: c.1354-7C>T on transcript NM_001287.6 (MANE Select); 7 bases into the intron before coding-DNA position 1354, C replaced by T.
Molecular consequence: intron variant.
Genome position (GRCh38, 1-based): chr16:1,451,723, G>A on the plus strand (C>T on the coding strand, the complement: CLCN7 is on the minus strand). VCF-style: chr16-1451723-G-A. GRCh37 (hg19) VCF-style: chr16-1501724-G-A.
Other names: c.1282-7C>T (NM_001114331.3).
Identifiers: ClinVar variation 317948 (VCV000317948.32), dbSNP rs41286691, ClinGen allele CA7810283.

ClinVar aggregate classification (germline): Conflicting classifications of pathogenicity. Review status: criteria provided, conflicting classifications (1 of 4 stars). 5 submissions from 5 submitters: Uncertain significance (1); Likely benign (4). Last evaluated 2026-01-26.

Conditions:
Disorder of bone. Also called: Bone disease; Bone disorder; Rare bone disease related to a common gene or pathway defect. Identifiers: Orphanet 364803, MedGen C0005940, MONDO:0005381.
Osteopetrosis. Identifiers: Orphanet 2781, MedGen C0029454, MONDO:0017198, HP:0011002.

Allele frequency attached by ClinVar (database versions not stated): 1000 Genomes Project 0.00120; 1000 Genomes Project 30x 0.00141; gnomAD exomes 0.00163 and 0.00258; gnomAD 0.00170 and 0.00177; ExAC 0.00178; TOPMed 0.00179; ESP Exome Variant Server 0.00239.
gnomAD v4.1: 4,057 of 1,611,034 alleles (0.25%); highest among the groups gnomAD compares: Non-Finnish European, 0.29%; 7 homozygotes.

Submissions (5):

Labcorp Genetics (formerly Invitae), Labcorp
Classification: Likely benign. Last evaluated: 2026-01-26. Review status: criteria provided, single submitter. Criteria: Invitae Variant Classification Sherloc (09022015). Collection method: clinical testing. Allele origin: germline.

CeGaT Center for Human Genetics Tuebingen
Classification: Likely benign. Last evaluated: 2025-12-01. Review status: criteria provided, single submitter. Criteria: CeGaT Center For Human Genetics Tuebingen Variant Classification Criteria Version 2. Collection method: clinical testing. Allele origin: germline. Affected: yes. Observed: 3 variant alleles.
Comment: CLCN7: BP4, BS2

Genome Diagnostics Laboratory, The Hospital for Sick Children
Classification: Likely benign for Disorder of bone. Last evaluated: 2025-03-24. Review status: criteria provided, single submitter. Criteria: ACMG Guidelines, 2015. Collection method: clinical testing. Allele origin: germline. Affected: yes.
Comment: This intronic variant is classified as Likely Benign (ACMG criteria - BS1, BS2m, BP6, BP4)

Blueprint Genetics
Classification: Likely benign. Last evaluated: 2024-11-23. Review status: criteria provided, single submitter. Criteria: ACMG Guidelines, 2015. Collection method: clinical testing. Allele origin: germline.

Illumina Laboratory Services, Illumina
Classification: Uncertain significance for Osteopetrosis. Last evaluated: 2018-01-12. Review status: criteria provided, single submitter. Criteria: ICSL Variant Classification Criteria 13 December 2019. Collection method: clinical testing. Allele origin: germline.